The following is an entry in ClinVar:

NM_173354.5(SIK1):c.1229A>C (p.Gln410Pro)

Gene: SIK1 (salt inducible kinase 1; minus strand). Cytogenetic location: 21q22.3.
Variant type: single nucleotide variant.
Coding change: c.1229A>C on transcript NM_173354.5 (MANE Select); coding-DNA position 1229, A replaced by C.
Protein change: p.Gln410Pro; replaces glutamine 410 with proline.
Molecular consequence: missense variant.
Genome position (GRCh38, 1-based): chr21:43,419,369, T>G on the plus strand (A>C on the coding strand, the complement: SIK1 is on the minus strand). VCF-style: chr21-43419369-T-G. GRCh37 (hg19) VCF-style: chr21-44839249-T-G.
Other names: short protein forms Q410P.
Identifiers: ClinVar variation 3674020 (VCV003674020.2).

ClinVar aggregate classification (germline): Uncertain significance (1 of 4 stars; one submission).

Conditions:
Developmental and epileptic encephalopathy, 30 (DEE30). Also called: Epileptic encephalopathy, early infantile, 30. Identifiers: MedGen C4225360, MONDO:0014595, OMIM 616341.

Submission:

Labcorp Genetics (formerly Invitae), Labcorp
Classification: Uncertain significance for Developmental and epileptic encephalopathy, 30. Last evaluated: 2024-08-23. Review status: criteria provided, single submitter. Criteria: Invitae Variant Classification Sherloc (09022015). Collection method: clinical testing. Allele origin: germline.
Comment: This sequence change replaces glutamine, which is neutral and polar, with proline, which is neutral and non-polar, at codon 410 of the SIK1 protein (p.Gln410Pro). This variant is not present in population databases (gnomAD no frequency). This variant has not been reported in the literature in individuals affected with SIK1-related conditions. Invitae Evidence Modeling of protein sequence and biophysical properties (such as structural, functional, and spatial information, amino acid conservation, physicochemical variation, residue mobility, and thermodynamic stability) indicates that this missense variant is not expected to disrupt SIK1 protein function with a negative predictive value of 95%. In summary, the available evidence is currently insufficient to determine the role of this variant in disease. Therefore, it has been classified as a Variant of Uncertain Significance.